The following is an entry in ClinVar:

NM_006231.4(POLE):c.6184A>C (p.Ser2062Arg)

Gene: POLE (DNA polymerase epsilon, catalytic subunit; minus strand). Cytogenetic location: 12q24.33.
Variant type: single nucleotide variant.
Coding change: c.6184A>C on transcript NM_006231.4 (MANE Select); coding-DNA position 6184, A replaced by C.
Protein change: p.Ser2062Arg; replaces serine 2062 with arginine.
Molecular consequence: missense variant.
Genome position (GRCh38, 1-based): chr12:132,632,461, T>G on the plus strand (A>C on the coding strand, the complement: POLE is on the minus strand). VCF-style: chr12-132632461-T-G. GRCh37 (hg19) VCF-style: chr12-133209047-T-G.
Other names: short protein forms S2062R.
Identifiers: ClinVar variation 1704804 (VCV001704804.9), dbSNP rs2541854493, ClinGen allele CA387369852.
Genomic context (GRCh38, chr12:132,632,461, plus strand): 5'-CAGTGGAGTTCCGAGAGCCTGTGACTTTCTTCTGAATCTTCTGAGTGATGGTGAAGAAGC[T>G]CTGAGTGAGCTCATTTGCGACATAATCCTGAGAGAAGGTGATCATTCCTGGAAGTATAAG-3'
Protein context (NP_006222.2, residues 2052-2072): QDYVANELTQ[Ser2062Arg]FFTITQKIQK

ClinVar aggregate classification (germline): Uncertain significance. Review status: criteria provided, multiple submitters, no conflicts (2 of 4 stars). 3 submissions from 3 submitters: Uncertain significance (3). Last evaluated 2025-01-20.

Conditions:
Hereditary cancer-predisposing syndrome. Also called: Tumor predisposition; Neoplastic Syndromes, Hereditary; Hereditary Cancer Syndrome; Hereditary neoplastic syndrome. Identifiers: Orphanet 140162, MedGen C0027672, MeSH D009386, MONDO:0015356.

Allele frequency attached by ClinVar (database versions not stated): gnomAD exomes below 0.00001.
gnomAD v4.1: 2 of 1,614,154 alleles (0.00012%); highest among the groups gnomAD compares: South Asian, 0.0011%; no homozygotes.

Submissions (3):

Ambry Genetics
Classification: Uncertain significance for Hereditary cancer-predisposing syndrome. Last evaluated: 2025-01-20. Review status: criteria provided, single submitter. Criteria: Ambry Variant Classification Scheme 2023. Collection method: clinical testing. Allele origin: germline.
Comment: The p.S2062R variant (also known as c.6184A>C), located in coding exon 45 of the POLE gene, results from an A to C substitution at nucleotide position 6184. The serine at codon 2062 is replaced by arginine, an amino acid with dissimilar properties. This amino acid position is conserved. In addition, this alteration is predicted to be tolerated by in silico analysis. Based on the available evidence, the clinical significance of this variant remains unclear.

GeneDx
Classification: Uncertain significance. Last evaluated: 2023-10-20. Review status: criteria provided, single submitter. Criteria: GeneDx Variant Classification Process June 2021. Collection method: clinical testing. Allele origin: germline. Affected: yes.
Comment: Not observed at significant frequency in large population cohorts (gnomAD); In silico analysis supports that this missense variant does not alter protein structure/function; Has not been previously published as pathogenic or benign to our knowledge

Labcorp Genetics (formerly Invitae), Labcorp
Classification: Uncertain significance. Last evaluated: 2023-05-24. Review status: criteria provided, single submitter. Criteria: Invitae Variant Classification Sherloc (09022015). Collection method: clinical testing. Allele origin: germline.
Comment: This sequence change replaces serine, which is neutral and polar, with arginine, which is basic and polar, at codon 2062 of the POLE protein (p.Ser2062Arg). This variant is not present in population databases (gnomAD no frequency). This variant has not been reported in the literature in individuals affected with POLE-related conditions. ClinVar contains an entry for this variant (Variation ID: 1704804). Advanced modeling of protein sequence and biophysical properties (such as structural, functional, and spatial information, amino acid conservation, physicochemical variation, residue mobility, and thermodynamic stability) performed at Invitae indicates that this missense variant is not expected to disrupt POLE protein function. In summary, the available evidence is currently insufficient to determine the role of this variant in disease. Therefore, it has been classified as a Variant of Uncertain Significance.